The following is an entry in ClinVar:

NM_198525.3(KIF7):c.3505C>T (p.Gln1169Ter)

Genes: KIF7 (kinesin family member 7; minus strand), LOC126862216 (BRD4-independent group 4 enhancer GRCh37_chr15:90171995-90173194; plus strand). Cytogenetic location: 15q26.1.
Variant type: single nucleotide variant.
Coding change: c.3505C>T on transcript NM_198525.3 (MANE Select); coding-DNA position 3505, C replaced by T.
Protein change: p.Gln1169Ter; replaces glutamine 1169 with a stop codon.
Molecular consequence: nonsense.
Genome position (GRCh38, 1-based): chr15:89,629,387, G>A on the plus strand (C>T on the coding strand, the complement: KIF7 is on the minus strand). VCF-style: chr15-89629387-G-A. GRCh37 (hg19) VCF-style: chr15-90172618-G-A.
Other names: short protein forms Q1169*.
Identifiers: ClinVar variation 1049562 (VCV001049562.8), dbSNP rs1963620354, ClinGen allele CA393754582.

ClinVar aggregate classification (germline): Pathogenic. Review status: criteria provided, multiple submitters, no conflicts (2 of 4 stars). 3 submissions from 3 submitters: Pathogenic (2). 1 of the submissions does not count toward it. Last evaluated 2024-12-26.

Conditions:
Acrocallosal syndrome (ACLS). Also called: HALLUX DUPLICATION, POSTAXIAL POLYDACTYLY, AND ABSENCE OF CORPUS CALLOSUM; Schinzel syndrome 1; Absence of corpus callosum with unusual facial appearance, mental deficiency, duplication of the halluces and polydactyly. Identifiers: Orphanet 36, MedGen C0796147, MONDO:0008708, OMIM 200990.

Allele frequency attached by ClinVar (database versions not stated): gnomAD exomes below 0.00001; gnomAD 0.00001; TOPMed 0.00001.
gnomAD v4.1: 2 of 1,598,024 alleles (0.00013%); highest among the groups gnomAD compares: Non-Finnish European, 0.00017%; no homozygotes.

Submissions (3):

Labcorp Genetics (formerly Invitae), Labcorp
Classification: Pathogenic for Acrocallosal syndrome. Last evaluated: 2024-12-26. Review status: criteria provided, single submitter. Criteria: Invitae Variant Classification Sherloc (09022015). Collection method: clinical testing. Allele origin: germline.
Comment: This sequence change creates a premature translational stop signal (p.Gln1169*) in the KIF7 gene. It is expected to result in an absent or disrupted protein product. Loss-of-function variants in KIF7 are known to be pathogenic (PMID: 19666503, 21552264, 21633164, 26648833). This variant is not present in population databases (gnomAD no frequency). This premature translational stop signal has been observed in individual(s) with Joubert syndrome (PMID: 28497568). ClinVar contains an entry for this variant (Variation ID: 1049562). For these reasons, this variant has been classified as Pathogenic.

GeneDx
Classification: Pathogenic. Last evaluated: 2021-11-03. Review status: criteria provided, single submitter. Criteria: GeneDx Variant Classification Process June 2021. Collection method: clinical testing. Allele origin: germline. Affected: yes.
Comment: Nonsense variant predicted to result in protein truncation or nonsense mediated decay in a gene for which loss-of-function is a known mechanism of disease; Not observed in large population cohorts (gnomAD); This variant is associated with the following publications: (PMID: 28497568, 29146704)

Department of Pathology and Laboratory Medicine, Sinai Health System
Classification: Pathogenic. Review status: no assertion criteria provided. Collection method: clinical testing. Allele origin: unknown. Affected: yes. Study: The Canadian Open Genetics Repository (COGR). Not counted in ClinVar's aggregate classification.
Comment: The KIF7 p.Q1169* variant was identified in one homozygous individual with Joubert syndrome (Fleming_2017_PMID:29146704). The variant was not identified in dbSNP, ClinVar or in the following control databases: the 1000 Genomes Project, the NHLBI GO Exome Sequencing Project, or the Genome Aggregation Database (March 6, 2019, v2.1.1). The c.3505C>T variant leads to a premature stop codon at position 1169 which is predicted to lead to a truncated or absent protein and loss of function. Loss of function variants of the KIF7 gene are an established mechanism of disease in the autosomal recessive conditions: Acrocallosal syndrome, Joubert syndrome, Hydrolethalus syndrome, and Al-Gazali-Bakalinova syndrome.Â¬â€ Â¬â€ In summary, based on the above information this variant meets our laboratoryâ€šÃ„Ã´s criteria to be classified as pathogenic.

Literature cited by the submitters: PubMed 19666503 (cited by Labcorp Genetics (formerly Invitae), Labcorp); PubMed 21552264 (cited by Labcorp Genetics (formerly Invitae), Labcorp); PubMed 21633164 (cited by Labcorp Genetics (formerly Invitae), Labcorp); PubMed 26648833 (cited by Labcorp Genetics (formerly Invitae), Labcorp); PubMed 28497568 (cited by Labcorp Genetics (formerly Invitae), Labcorp).